The following is an entry in ClinVar:

ClinVar aggregate classification (germline): Uncertain significance. Review status: criteria provided, multiple submitters, no conflicts (2 of 4 stars). 3 submissions from 3 submitters: Uncertain significance (3). Last evaluated 2024-11-04.

Conditions:
Hydrolethalus syndrome 2 (HLS2). Identifiers: Orphanet 2189, MedGen C3279899, MONDO:0013585, OMIM 614120.
Acrocallosal syndrome (ACLS). Also called: Schinzel syndrome 1; Absence of corpus callosum with unusual facial appearance, mental deficiency, duplication of the halluces and polydactyly; HALLUX DUPLICATION, POSTAXIAL POLYDACTYLY, AND ABSENCE OF CORPUS CALLOSUM. Identifiers: Orphanet 36, MedGen C0796147, MONDO:0008708, OMIM 200990.
Multiple epiphyseal dysplasia, Al-Gazali type. Also called: Macrocephaly with multiple epiphyseal dysplasia and distinctive facies. Identifiers: Orphanet 166024, MedGen C1846722, MONDO:0011778, OMIM 607131.
Inborn genetic diseases. Identifiers: MedGen C0950123, MeSH D030342.

Allele frequency attached by ClinVar (database versions not stated): TOPMed 0.00002; gnomAD 0.00003; ExAC 0.00011.
gnomAD v4.1: 41 of 1,551,194 alleles (0.0026%); highest among the groups gnomAD compares: Admixed American, 0.0098%; no homozygotes.

Submissions (3):

Labcorp Genetics (formerly Invitae), Labcorp
Classification: Uncertain significance for Acrocallosal syndrome. Last evaluated: 2024-11-04. Review status: criteria provided, single submitter. Criteria: Invitae Variant Classification Sherloc (09022015). Collection method: clinical testing. Allele origin: germline.
Comment: This sequence change replaces valine, which is neutral and non-polar, with isoleucine, which is neutral and non-polar, at codon 47 of the KIF7 protein (p.Val47Ile). This variant is present in population databases (rs770323687, gnomAD 0.06%). This variant has not been reported in the literature in individuals affected with KIF7-related conditions. ClinVar contains an entry for this variant (Variation ID: 2150864). Invitae Evidence Modeling of protein sequence and biophysical properties (such as structural, functional, and spatial information, amino acid conservation, physicochemical variation, residue mobility, and thermodynamic stability) indicates that this missense variant is not expected to disrupt KIF7 protein function with a negative predictive value of 80%. In summary, the available evidence is currently insufficient to determine the role of this variant in disease. Therefore, it has been classified as a Variant of Uncertain Significance.

Fulgent Genetics
Classification: Uncertain significance for Acrocallosal syndrome; Multiple epiphyseal dysplasia, Al-Gazali type; Hydrolethalus syndrome 2. Last evaluated: 2024-02-14. Review status: criteria provided, single submitter. Criteria: ACMG Guidelines, 2015. Collection method: clinical testing. Allele origin: germline.

Ambry Genetics
Classification: Uncertain significance for Inborn genetic diseases. Last evaluated: 2021-01-20. Review status: criteria provided, single submitter. Criteria: Ambry Variant Classification Scheme 2023. Collection method: clinical testing. Allele origin: germline.
Comment: The c.139G>A (p.V47I) alteration is located in exon 2 (coding exon 1) of the KIF7 gene. This alteration results from a G to A substitution at nucleotide position 139, causing the valine (V) at amino acid position 47 to be replaced by an isoleucine (I). The p.V47I alteration is predicted to be tolerated by in silico analysis. Based on insufficient or conflicting evidence, the clinical significance of this alteration remains unclear.

NM_198525.3(KIF7):c.139G>A (p.Val47Ile)

Gene: KIF7 (kinesin family member 7; minus strand). Cytogenetic location: 15q26.1.
Variant type: single nucleotide variant.
Coding change: c.139G>A on transcript NM_198525.3 (MANE Select); coding-DNA position 139, G replaced by A.
Protein change: p.Val47Ile; replaces valine 47 with isoleucine.
Molecular consequence: missense variant.
Genome position (GRCh38, 1-based): chr15:89,652,792, C>T on the plus strand (G>A on the coding strand, the complement: KIF7 is on the minus strand). VCF-style: chr15-89652792-C-T. GRCh37 (hg19) VCF-style: chr15-90196023-C-T.
Other names: c.139G>A (NM_198525.2); short protein forms V47I.
Identifiers: ClinVar variation 2150864 (VCV002150864.6), dbSNP rs770323687, ClinGen allele CA7728684.